The following is an entry in ClinVar:

NM_000051.4(ATM):c.874C>T (p.Pro292Ser)

Gene: ATM (ATM serine/threonine kinase; plus strand). Cytogenetic location: 11q22.3.
Variant type: single nucleotide variant.
Coding change: c.874C>T on transcript NM_000051.4 (MANE Select); coding-DNA position 874, C replaced by T.
Protein change: p.Pro292Ser; replaces proline 292 with serine.
Molecular consequence: missense variant.
Genome position (GRCh38, 1-based): chr11:108,244,999, C>T. VCF-style: chr11-108244999-C-T. GRCh37 (hg19) VCF-style: chr11-108115726-C-T.
Other names: c.874C>T, p.Pro292Ser (NM_001351834.2); short protein forms P292S.
Identifiers: ClinVar variation 2036775 (VCV002036775.4), dbSNP rs2135243427, ClinGen allele CA382529549.

ClinVar aggregate classification (germline): Uncertain significance (1 of 4 stars; one submission).

Conditions:
Ataxia-telangiectasia syndrome (AT). Also called: Ataxia-telangiectasia, complementation group D; ATAXIA-TELANGIECTASIA, COMPLEMENTATION GROUP A; ATAXIA-TELANGIECTASIA, FRESNO VARIANT; Ataxia-telangiectasia; Ataxia telangiectasia (A-T); Cerebello-oculocutaneous telangiectasia. Identifiers: Orphanet 100, MedGen C0004135, MONDO:0008840, OMIM 208900.

Submission:

Labcorp Genetics (formerly Invitae), Labcorp
Classification: Uncertain significance for Ataxia-telangiectasia syndrome. Last evaluated: 2022-10-25. Review status: criteria provided, single submitter. Criteria: Invitae Variant Classification Sherloc (09022015). Collection method: clinical testing. Allele origin: germline.
Comment: This sequence change replaces proline, which is neutral and non-polar, with serine, which is neutral and polar, at codon 292 of the ATM protein (p.Pro292Ser). This variant is not present in population databases (gnomAD no frequency). This variant has not been reported in the literature in individuals affected with ATM-related conditions. Algorithms developed to predict the effect of missense changes on protein structure and function (SIFT, PolyPhen-2, Align-GVGD) all suggest that this variant is likely to be disruptive. This variant disrupts the p.Pro292 amino acid residue in ATM. Other variant(s) that disrupt this residue have been determined to be pathogenic (PMID: 10873394, 18634022, 19431188, 23264026, 30549301). This suggests that this residue is clinically significant, and that variants that disrupt this residue are likely to be disease-causing. In summary, the available evidence is currently insufficient to determine the role of this variant in disease. Therefore, it has been classified as a Variant of Uncertain Significance.

Literature cited by the submitters: PubMed 10873394; PubMed 18634022; PubMed 19431188; PubMed 23264026; PubMed 30549301.